The following is an entry in ClinVar:

NM_001079668.3(NKX2-1):c.525G>T (p.Ser175=)

Genes: NKX2-1 (NK2 homeobox 1; minus strand), SFTA3 (surfactant associated 3; minus strand). Cytogenetic location: 14q13.3.
Variant type: single nucleotide variant.
Coding change: c.525G>T on transcript NM_001079668.3 (MANE Select); coding-DNA position 525, G replaced by T.
Protein change: p.Ser175=; no amino-acid change (serine 175 retained).
Molecular consequence: synonymous variant.
Genome position (GRCh38, 1-based): chr14:36,517,959, C>A on the plus strand (G>T on the coding strand, the complement: NKX2-1 is on the minus strand). VCF-style: chr14-36517959-C-A. GRCh37 (hg19) VCF-style: chr14-36987164-C-A.
Other names: c.435G>T, p.Ser145= (NM_003317.4).
Identifiers: ClinVar variation 4280959 (VCV004280959.7).

ClinVar aggregate classification (germline): Likely benign (1 of 4 stars; one submission).

Submission:

CeGaT Center for Human Genetics Tuebingen
Classification: Likely benign. Last evaluated: 2025-09-01. Review status: criteria provided, single submitter. Criteria: CeGaT Center For Human Genetics Tuebingen Variant Classification Criteria Version 2. Collection method: clinical testing. Allele origin: germline. Affected: yes. Observed: 1 variant allele.
Comment: NKX2-1: BP4, BP7